The following is an entry in ClinVar:

NM_030957.4(ADAMTS10):c.356G>A (p.Arg119Gln)

Gene: ADAMTS10 (ADAM metallopeptidase with thrombospondin type 1 motif 10; minus strand). Cytogenetic location: 19p13.2.
Variant type: single nucleotide variant.
Coding change: c.356G>A on transcript NM_030957.4 (MANE Select); coding-DNA position 356, G replaced by A.
Protein change: p.Arg119Gln; replaces arginine 119 with glutamine.
Molecular consequence: missense variant.
Genome position (GRCh38, 1-based): chr19:8,605,091, C>T on the plus strand (G>A on the coding strand, the complement: ADAMTS10 is on the minus strand). VCF-style: chr19-8605091-C-T. GRCh37 (hg19) VCF-style: chr19-8669976-C-T.
Other names: p.Arg119Gln; short protein forms R119Q.
Identifiers: ClinVar variation 330611 (VCV000330611.19), dbSNP rs3814291, ClinGen allele CA9160868.

ClinVar aggregate classification (germline): Benign. Review status: criteria provided, multiple submitters, no conflicts (2 of 4 stars). 5 submissions from 5 submitters: Benign (5). Last evaluated 2026-02-03.

Conditions:
Weill-Marchesani syndrome. Also called: WM Syndrome; Mesodermal dysmorphodystrophy congenital. Identifiers: Orphanet 3449, MedGen C0265313, MONDO:0018096.

Allele frequency attached by ClinVar (database versions not stated): ESP Exome Variant Server 0.00062; gnomAD 0.00472 and 0.00503; TOPMed 0.00580; 1000 Genomes Project 0.01118; 1000 Genomes Project 30x 0.01171.
gnomAD v4.1: 4,778 of 1,612,730 alleles (0.3%); highest among the groups gnomAD compares: Admixed American, 6.1%; 148 homozygotes.

Submissions (5):

Labcorp Genetics (formerly Invitae), Labcorp
Classification: Benign. Last evaluated: 2026-02-03. Review status: criteria provided, single submitter. Criteria: Invitae Variant Classification Sherloc (09022015). Collection method: clinical testing. Allele origin: germline.

Mayo Clinic Laboratories, Mayo Clinic
Classification: Benign. Last evaluated: 2022-04-26. Review status: criteria provided, single submitter. Criteria: ACMG Guidelines, 2015. Collection method: clinical testing. Allele origin: germline. Observed: 5 variant alleles.

GeneDx
Classification: Benign. Last evaluated: 2018-09-07. Review status: criteria provided, single submitter. Criteria: GeneDx Variant Classification Process June 2021. Collection method: clinical testing. Allele origin: germline. Affected: yes.

Illumina Laboratory Services, Illumina
Classification: Benign for Weill-Marchesani syndrome. Last evaluated: 2018-01-13. Review status: criteria provided, single submitter. Criteria: ICSL Variant Classification Criteria 13 December 2019. Collection method: clinical testing. Allele origin: germline.
Comment: This variant was observed in the ICSL laboratory as part of a predisposition screen in an ostensibly healthy population. It had not been previously curated by ICSL or reported in the Human Gene Mutation Database (HGMD: prior to June 1st, 2018), and was therefore a candidate for classification through an automated scoring system. Utilizing variant allele frequency, disease prevalence and penetrance estimates, and inheritance mode, an automated score was calculated to assess if this variant is too frequent to cause the disease. Based on the score and internal cut-off values, a variant classified as benign is not then subjected to further curation. The score for this variant resulted in a classification of benign for this disease.

Breakthrough Genomics
Classification: Benign. Review status: criteria provided, single submitter. Criteria: ACMG Guidelines, 2015. Collection method: not provided. Allele origin: germline. Inheritance: Autosomal recessive inheritance. Affected: yes.